The following is an entry in ClinVar:

ClinVar aggregate classification (germline): Likely pathogenic (1 of 4 stars; one submission).

Conditions:
Coffin-Siris syndrome 6. Identifiers: MedGen C4540499, MONDO:0033492, OMIM 617808.

Submission:

3billion
Classification: Likely pathogenic for Coffin-Siris syndrome 6. Last evaluated: 2022-05-22. Review status: criteria provided, single submitter. Criteria: ACMG Guidelines, 2015. Collection method: clinical testing. Allele origin: germline. Affected: yes. Observed: 1 heterozygote.
Comment: Frameshift: predicted to result in a loss or disruption of normal protein function through nonsense-mediated decay (NMD) or protein truncation. Multiple pathogenic variants are reported downstream of the variant. The variant is not observed in the gnomAD v2.1.1 dataset. Therefore, this variant is classified as likely pathogenic according to the recommendation of ACMG/AMP guideline.

NM_152641.4(ARID2):c.4942_4943del (p.Gln1648fs)

Gene: ARID2 (AT-rich interaction domain 2; plus strand). Cytogenetic location: 12q12.
Variant type: Microsatellite.
Coding change: c.4942_4943del on transcript NM_152641.4 (MANE Select); coding-DNA positions 4942 to 4943, 2 bases deleted (CA; older notation c.4942_4943delCA).
Protein change: p.Gln1648fs; shifts the reading frame from glutamine 1648.
Molecular consequence: frameshift variant.
Genome position (GRCh38, 1-based): chr12:45,891,799-45,891,800, CA deleted; deleting any 2 consecutive bases within chr12:45,891,797-45,891,800 gives the same sequence; the c. name uses the placement nearest the transcript's 3' end. VCF-style (leftmost placement, unchanged base first): chr12-45891796-TCA-T. GRCh37 (hg19) VCF-style: chr12-46285579-TCA-T.
Other names: c.4942_4943del, p.Gln1648fs (NM_001347839.2); short protein forms Q1648fs.
Identifiers: ClinVar variation 1687412 (VCV001687412.1), dbSNP rs2138231889, ClinGen allele CA2580615166.